The following is an entry in ClinVar:

NM_002661.5(PLCG2):c.3314-7C>A

Gene: PLCG2 (phospholipase C gamma 2; plus strand). Cytogenetic location: 16q23.3.
Variant type: single nucleotide variant.
Coding change: c.3314-7C>A on transcript NM_002661.5 (MANE Select); 7 bases into the intron before coding-DNA position 3314, C replaced by A.
Molecular consequence: intron variant.
Genome position (GRCh38, 1-based): chr16:81,939,885, C>A. VCF-style: chr16-81939885-C-A. GRCh37 (hg19) VCF-style: chr16-81973490-C-A.
Identifiers: ClinVar variation 3030441 (VCV003030441.2), dbSNP rs750926701, ClinGen allele CA2634528477.

ClinVar aggregate classification (germline): Likely benign (0 of 4 stars; one submission).

Conditions:
PLCG2-related disorder. Also called: PLCG2-related condition.

Submission:

PreventionGenetics, part of Exact Sciences
Classification: Likely benign for PLCG2-related condition. Last evaluated: 2023-11-07. Review status: no assertion criteria provided. Collection method: clinical testing. Allele origin: germline.
Comment: This variant is classified as likely benign based on ACMG/AMP sequence variant interpretation guidelines (Richards et al. 2015 PMID: 25741868, with internal and published modifications).